The following is an entry in ClinVar:

NM_004100.5(EYA4):c.1803T>G (p.Ile601Met)

Genes: EYA4 (EYA transcriptional coactivator and phosphatase 4; plus strand), TARID (TCF21 antisense RNA inducing promoter demethylation; minus strand). Cytogenetic location: 6q23.2.
Variant type: single nucleotide variant.
Coding change: c.1803T>G on transcript NM_004100.5 (MANE Select); coding-DNA position 1803, T replaced by G.
Protein change: p.Ile601Met; replaces isoleucine 601 with methionine.
Molecular consequence: missense variant. On other transcripts: intron variant (3).
Genome position (GRCh38, 1-based): chr6:133,525,218, T>G. VCF-style: chr6-133525218-T-G. GRCh37 (hg19) VCF-style: chr6-133846356-T-G.
Other names: c.1821T>G, p.Ile607Met (NM_001301013.2); c.1659T>G, p.Ile553Met (NM_001370459.1); c.1734T>G, p.Ile578Met (NM_172103.4); c.1839+103T>G (NM_172105.4); c.1770+103T>G (NM_001370458.1); c.1677+103T>G (NM_001301012.2); short protein forms I601M, I553M, I578M, I607M.
Identifiers: ClinVar variation 465984 (VCV000465984.8), dbSNP rs1554276013, ClinGen allele CA365700809.

ClinVar aggregate classification (germline): Uncertain significance (1 of 4 stars; one submission).

Conditions:
Dilated cardiomyopathy 1J (CMD1J). Also called: CARDIOMYOPATHY, DILATED, WITH SENSORINEURAL HEARING LOSS, AUTOSOMAL DOMINANT. Identifiers: Orphanet 217622, MedGen C1854368, MONDO:0011541, OMIM 605362.

Submission:

Labcorp Genetics (formerly Invitae), Labcorp
Classification: Uncertain significance for Dilated cardiomyopathy 1J. Last evaluated: 2017-03-02. Review status: criteria provided, single submitter. Criteria: Invitae Variant Classification Sherloc (09022015). Collection method: clinical testing. Allele origin: germline.
Comment: In summary, this variant is a novel missense change with uncertain impact on protein function. It has been classified as a Variant of Uncertain Significance. Algorithms developed to predict the effect of missense changes on protein structure and function do not agree on the potential impact of this missense change (SIFT: "Deleterious"; PolyPhen-2: "Possibly Damaging"; Align-GVGD: "Class C0"). This variant is not present in population databases (ExAC no frequency) and has not been reported in the literature in individuals with a EYA4-related disease. This sequence change replaces isoleucine with methionine at codon 601 of the EYA4 protein (p.Ile601Met). The isoleucine residue is highly conserved and there is a small physicochemical difference between isoleucine and methionine.